The following is an entry in ClinVar:

ClinVar aggregate classification (germline): Conflicting classifications of pathogenicity. Review status: criteria provided, conflicting classifications (1 of 4 stars). 3 submissions from 3 submitters: Uncertain significance (2); Likely benign (1). Last evaluated 2024-12-31.

Conditions:
Early-infantile DEE. Also called: Ohtahara syndrome; Early infantile epileptic encephalopathy; Early infantile epileptic encephalopathy with suppression bursts. Identifiers: Orphanet 1934, MedGen C0393706, MONDO:0800491.
Inborn genetic diseases. Identifiers: MedGen C0950123, MeSH D030342.

Allele frequency attached by ClinVar (database versions not stated): gnomAD exomes below 0.00001; gnomAD 0.00001; ExAC 0.00002.

Submissions (3):

Labcorp Genetics (formerly Invitae), Labcorp
Classification: Uncertain significance for Early-infantile DEE. Last evaluated: 2024-12-31. Review status: criteria provided, single submitter. Criteria: Invitae Variant Classification Sherloc (09022015). Collection method: clinical testing. Allele origin: germline.
Comment: This sequence change replaces proline, which is neutral and non-polar, with leucine, which is neutral and non-polar, at codon 2452 of the SPTAN1 protein (p.Pro2452Leu). This variant is present in population databases (rs750904635, gnomAD 0.01%). This variant has not been reported in the literature in individuals affected with SPTAN1-related conditions. ClinVar contains an entry for this variant (Variation ID: 1934795). Invitae Evidence Modeling of protein sequence and biophysical properties (such as structural, functional, and spatial information, amino acid conservation, physicochemical variation, residue mobility, and thermodynamic stability) has been performed for this missense variant. However, the output from this modeling did not meet the statistical confidence thresholds required to predict the impact of this variant on SPTAN1 protein function. In summary, the available evidence is currently insufficient to determine the role of this variant in disease. Therefore, it has been classified as a Variant of Uncertain Significance.

Revvity Omics, Revvity
Classification: Uncertain significance. Last evaluated: 2023-10-11. Review status: criteria provided, single submitter. Criteria: ACMG Guidelines, 2015. Collection method: clinical testing. Allele origin: germline.

Ambry Genetics
Classification: Likely benign for Inborn genetic diseases. Last evaluated: 2023-06-05. Review status: criteria provided, single submitter. Criteria: Ambry Variant Classification Scheme 2023. Collection method: clinical testing. Allele origin: germline.

NM_001130438.3(SPTAN1):c.7355C>T (p.Pro2452Leu)

Gene: SPTAN1 (spectrin alpha, non-erythrocytic 1; plus strand). Cytogenetic location: 9q34.11.
Variant type: single nucleotide variant.
Coding change: c.7355C>T on transcript NM_001130438.3 (MANE Select); coding-DNA position 7355, C replaced by T.
Protein change: p.Pro2452Leu; replaces proline 2452 with leucine.
Molecular consequence: missense variant.
Genome position (GRCh38, 1-based): chr9:128,633,255, C>T. VCF-style: chr9-128633255-C-T. GRCh37 (hg19) VCF-style: chr9-131395534-C-T.
Other names: c.7280C>T, p.Pro2427Leu (NM_001195532.2); c.7418C>T, p.Pro2473Leu (NM_001363759.2); c.7295C>T, p.Pro2432Leu (NM_001363765.2, NM_001375314.2); c.7442C>T, p.Pro2481Leu (NM_001375310.1); c.7355C>T, p.Pro2452Leu (NM_001375311.2); c.7391C>T, p.Pro2464Leu (NM_001375312.2); c.7337C>T, p.Pro2446Leu (NM_001375313.1); c.7454C>T, p.Pro2485Leu (NM_001375318.1); and 2 more; short protein forms P2464L, P2485L, P2446L, P2473L, P2481L, P2427L, P2432L, P2452L.
Identifiers: ClinVar variation 1934795 (VCV001934795.10), dbSNP rs750904635, ClinGen allele CA5266090.
Genomic context (GRCh38, chr9:128,633,255, plus strand): 5'-CTCTTACCCCACAGAACCTGACCCGGGAACAAGCCGACTACTGCGTCTCCCACATGAAGC[C>T]CTACGTGGACGGCAAGGGCCGCGAGCTCCCCACCGCGTTCGACTACGTGGAGTTCACCCG-3'
Protein context (NP_001123910.1, residues 2442-2462): QADYCVSHMK[Pro2452Leu]YVDGKGRELP